The following is an entry in ClinVar:

NM_001366521.1(ATP2B1):c.3444T>C (p.Pro1148=)

Gene: ATP2B1 (ATPase plasma membrane Ca2+ transporting 1; minus strand). Cytogenetic location: 12q21.33.
Variant type: single nucleotide variant.
Coding change: c.3444T>C on transcript NM_001366521.1 (MANE Select); coding-DNA position 3444, T replaced by C.
Protein change: p.Pro1148=; no amino-acid change (proline 1148 retained).
Molecular consequence: synonymous variant. On other transcripts: 3 prime UTR variant (9), non-coding transcript variant (3).
Genome position (GRCh38, 1-based): chr12:89,591,203, A>G on the plus strand (T>C on the coding strand, the complement: ATP2B1 is on the minus strand). VCF-style: chr12-89591203-A-G. GRCh37 (hg19) VCF-style: chr12-89984980-A-G.
Other names: c.*67T>C (NM_001001323.2, NM_001366523.1, NM_001366528.1 and 2 more transcripts); c.3444T>C, p.Pro1148= (NM_001366520.1, NM_001366522.1, NM_001413046.1 and 2 more transcripts); c.3531T>C, p.Pro1177= (NM_001366524.1, NM_001366525.1); c.*80T>C (NM_001366526.1, NM_001366527.1, NM_001366529.1 and 1 more transcripts); c.3405T>C, p.Pro1135= (NM_001413048.1); c.3336T>C, p.Pro1112= (NM_001413049.1, NM_001413050.1); c.3303T>C, p.Pro1101= (NM_001413051.1, NM_001413052.1); c.3246T>C, p.Pro1082= (NM_001413053.1); and 5 more.
Identifiers: ClinVar variation 4681898 (VCV004681898.5).

ClinVar aggregate classification (germline): Likely benign (1 of 4 stars; one submission).

gnomAD v4.1: 1 of 1,613,282 alleles (0.000062%); highest among the groups gnomAD compares: Non-Finnish European, 0.000085%; no homozygotes.

Submission:

CeGaT Center for Human Genetics Tuebingen
Classification: Likely benign. Last evaluated: 2025-12-01. Review status: criteria provided, single submitter. Criteria: CeGaT Center For Human Genetics Tuebingen Variant Classification Criteria Version 2. Collection method: clinical testing. Allele origin: germline. Affected: yes. Observed: 1 variant allele.
Comment: ATP2B1: BP4, BP7